The following is an entry in ClinVar:

NM_018062.4(FANCL):c.1048_1051del (p.Gln350fs)

Gene: FANCL (FA complementation group L; minus strand). Cytogenetic location: 2p16.1.
Variant type: Deletion.
Coding change: c.1048_1051del on transcript NM_018062.4 (MANE Select); coding-DNA positions 1048 to 1051, 4 bases deleted (CAGA; older notation c.1048_1051delCAGA).
Protein change: p.Gln350fs; shifts the reading frame from glutamine 350.
Molecular consequence: frameshift variant.
Genome position (GRCh38, 1-based): chr2:58,160,149-58,160,152, TCTG deleted on the plus strand (CAGA on the coding strand, the reverse complement: FANCL is on the minus strand); deleting any 4 consecutive bases within chr2:58,160,149-58,160,155 gives the same sequence; the c. name uses the placement nearest the transcript's 3' end. VCF-style (leftmost placement, unchanged base first): chr2-58160148-CTCTG-C. GRCh37 (hg19) VCF-style: chr2-58387283-CTCTG-C.
Other names: c.1048_1051delCAGA (NM_018062.3); c.1060_1063delAGAC, p.Gln355Valfs (NM_001114636.2); c.1093_1096del, p.Gln365fs (NM_001374615.1); c.1108_1111del, p.Gln370fs (NM_001410792.1); short protein forms Q355fs, Q350fs, Q365fs, Q370fs.
Identifiers: ClinVar variation 810845 (VCV000810845.4), dbSNP rs1553433429, ClinGen allele CA532803589.

ClinVar aggregate classification (germline): Likely pathogenic. Review status: criteria provided, multiple submitters, no conflicts (2 of 4 stars). 3 submissions from 3 submitters: Likely pathogenic (2). 1 of the submissions does not count toward it. Last evaluated 2024-02-03.

Conditions:
Fanconi anemia complementation group L (FANCL). Also called: FANCL-Related Fanconi Anemia. Identifiers: Orphanet 84, MedGen C3469528, MONDO:0013566, OMIM 614083.

Submissions (3):

Baylor Genetics
Classification: Likely pathogenic for Fanconi anemia complementation group L. Last evaluated: 2024-02-03. Review status: criteria provided, single submitter. Criteria: ACMG Guidelines, 2015. Collection method: clinical testing. Allele origin: unknown.

Center for Reproductive Medicine, Shandong Provincial Hospital Affiliated to Shandong University
Classification: Likely pathogenic for Fanconi anemia complementation group L. Last evaluated: 2019-05-15. Review status: criteria provided, single submitter. Criteria: ACMG Guidelines, 2015. Collection method: research. Allele origin: germline. Affected: yes. Observed: 1 variant allele.
Comment: Causative for POI by disturbance of DNA damage repair

Leiden Open Variation Database
Classification: Pathogenic. Last evaluated: 2019-12-09. Review status: no assertion criteria provided. Collection method: curation. Allele origin: germline. Affected: yes. Not counted in ClinVar's aggregate classification.
Comment: Curator: Arleen D. Auerbach. Submitter to LOVD: Yajuan Yang.